The following is an entry in ClinVar:

ClinVar aggregate classification (germline): Uncertain significance (1 of 4 stars; one submission).

Allele frequency attached by ClinVar (database versions not stated): gnomAD exomes below 0.00001; TOPMed 0.00001.
gnomAD v4.1: 5 of 1,609,578 alleles (0.00031%); highest among the groups gnomAD compares: African/African-American, 0.0027%; no homozygotes.

Submission:

Labcorp Genetics (formerly Invitae), Labcorp
Classification: Uncertain significance. Last evaluated: 2023-05-23. Review status: criteria provided, single submitter. Criteria: Invitae Variant Classification Sherloc (09022015). Collection method: clinical testing. Allele origin: germline.
Comment: This variant is present in population databases (no rsID available, gnomAD 0.007%). In summary, the available evidence is currently insufficient to determine the role of this variant in disease. Therefore, it has been classified as a Variant of Uncertain Significance. An algorithm developed to predict the effect of missense changes on protein structure and function (PolyPhen-2) suggests that this variant is likely to be tolerated. This variant has not been reported in the literature in individuals affected with AP3D1-related conditions. This sequence change replaces lysine, which is basic and polar, with arginine, which is basic and polar, at codon 329 of the AP3D1 protein (p.Lys329Arg).

NM_001261826.3(AP3D1):c.986A>G (p.Lys329Arg)

Gene: AP3D1 (adaptor related protein complex 3 subunit delta 1; minus strand). Cytogenetic location: 19p13.3.
Variant type: single nucleotide variant.
Coding change: c.986A>G on transcript NM_001261826.3 (MANE Select); coding-DNA position 986, A replaced by G.
Protein change: p.Lys329Arg; replaces lysine 329 with arginine.
Molecular consequence: missense variant.
Genome position (GRCh38, 1-based): chr19:2,121,849, T>C on the plus strand (A>G on the coding strand, the complement: AP3D1 is on the minus strand). VCF-style: chr19-2121849-T-C. GRCh37 (hg19) VCF-style: chr19-2121848-T-C.
Other names: c.986A>G, p.Lys329Arg (NM_001374799.1, NM_003938.8); short protein forms K329R.
Identifiers: ClinVar variation 3000749 (VCV003000749.3), dbSNP rs1189710744, ClinGen allele CA403225186.
Genomic context (GRCh38, chr19:2,121,849, plus strand): 5'-AGGCACTGCAGGATGAGGTCCTTGTGGGACTGCACGGACTTGGGGTGGGTCTTCAGGATC[T>C]TGGACATTGCCAGCAGCCCCAGGTACTTCACTGCAGAGAGAGGCCAGAGCCGGGTCACTG-3'
Protein context (NP_001248755.1, residues 319-339): LKYLGLLAMS[Lys329Arg]ILKTHPKSVQ